The following is an entry in ClinVar:

ClinVar aggregate classification (germline): Uncertain significance. Review status: criteria provided, multiple submitters, no conflicts (2 of 4 stars). 2 submissions from 2 submitters: Uncertain significance (2). Last evaluated 2024-03-06.

Conditions:
Hereditary cancer-predisposing syndrome. Also called: Hereditary neoplastic syndrome; Tumor predisposition; Neoplastic Syndromes, Hereditary; Hereditary Cancer Syndrome. Identifiers: Orphanet 140162, MedGen C0027672, MeSH D009386, MONDO:0015356.
Haddad syndrome (OHD). Also called: Ondine-Hirschsprung disease. Identifiers: Orphanet 99803, MedGen C1859049, MONDO:0020493.

Allele frequency attached by ClinVar (database versions not stated): gnomAD exomes below 0.00001.

Submissions (2):

Labcorp Genetics (formerly Invitae), Labcorp
Classification: Uncertain significance for Haddad syndrome. Last evaluated: 2024-03-06. Review status: criteria provided, single submitter. Criteria: Invitae Variant Classification Sherloc (09022015). Collection method: clinical testing. Allele origin: germline.
Comment: This sequence change replaces isoleucine, which is neutral and non-polar, with threonine, which is neutral and polar, at codon 101 of the PHOX2B protein (p.Ile101Thr). This variant is not present in population databases (gnomAD no frequency). This variant has not been reported in the literature in individuals affected with PHOX2B-related conditions. ClinVar contains an entry for this variant (Variation ID: 569513). Advanced modeling of protein sequence and biophysical properties (such as structural, functional, and spatial information, amino acid conservation, physicochemical variation, residue mobility, and thermodynamic stability) performed at Invitae indicates that this missense variant is not expected to disrupt PHOX2B protein function with a negative predictive value of 80%. In summary, the available evidence is currently insufficient to determine the role of this variant in disease. Therefore, it has been classified as a Variant of Uncertain Significance.

Ambry Genetics
Classification: Uncertain significance for Hereditary cancer-predisposing syndrome. Last evaluated: 2021-08-31. Review status: criteria provided, single submitter. Criteria: Ambry Variant Classification Scheme 2023. Collection method: clinical testing. Allele origin: germline.
Comment: The p.I101T variant (also known as c.302T>C), located in coding exon 2 of the PHOX2B gene, results from a T to C substitution at nucleotide position 302. The isoleucine at codon 101 is replaced by threonine, an amino acid with similar properties. This amino acid position is highly conserved in available vertebrate species. In addition, this alteration is predicted to be deleterious by in silico analysis. Since supporting evidence is limited at this time, the clinical significance of this alteration remains unclear.

NM_003924.4(PHOX2B):c.302T>C (p.Ile101Thr)

Gene: PHOX2B (paired like homeobox 2B; minus strand). Cytogenetic location: 4p13.
Variant type: single nucleotide variant.
Coding change: c.302T>C on transcript NM_003924.4 (MANE Select); coding-DNA position 302, T replaced by C.
Protein change: p.Ile101Thr; replaces isoleucine 101 with threonine.
Molecular consequence: missense variant.
Genome position (GRCh38, 1-based): chr4:41,747,476, A>G on the plus strand (T>C on the coding strand, the complement: PHOX2B is on the minus strand). VCF-style: chr4-41747476-A-G. GRCh37 (hg19) VCF-style: chr4-41749493-A-G.
Other names: short protein forms I101T.
Identifiers: ClinVar variation 569513 (VCV000569513.13), dbSNP rs1560466295, ClinGen allele CA356740385.